The following is an entry in ClinVar:

ClinVar aggregate classification (germline): Uncertain significance (1 of 4 stars; one submission).

Conditions:
Congenital myotonia, autosomal recessive form. Also called: BECKER DISEASE; Becker Generalized Myotonia; myotonia congenita, autosomal recessive. Identifiers: Orphanet 614, MedGen C0751360, MONDO:0009715, OMIM 255700.
Congenital myotonia, autosomal dominant form (THD). Also called: THOMSEN DISEASE; Myotonia congenita autosomal dominant. Identifiers: Orphanet 614, MedGen C2936781, MONDO:0008055, OMIM 160800.

Allele frequency attached by ClinVar (database versions not stated): gnomAD exomes below 0.00001; ExAC 0.00001.

Submission:

Labcorp Genetics (formerly Invitae), Labcorp
Classification: Uncertain significance for Congenital myotonia, autosomal recessive form; Congenital myotonia, autosomal dominant form. Last evaluated: 2025-03-27. Review status: criteria provided, single submitter. Criteria: Invitae Variant Classification Sherloc (09022015). Collection method: clinical testing. Allele origin: germline.
Comment: This sequence change replaces threonine, which is neutral and polar, with serine, which is neutral and polar, at codon 166 of the CLCN1 protein (p.Thr166Ser). This variant is not present in population databases (gnomAD no frequency). This variant has not been reported in the literature in individuals affected with CLCN1-related conditions. ClinVar contains an entry for this variant (Variation ID: 1397806). An algorithm developed to predict the effect of missense changes on protein structure and function outputs the following: PolyPhen-2: "Benign". The serine amino acid residue is found in multiple mammalian species, which suggests that this missense change does not adversely affect protein function. In summary, the available evidence is currently insufficient to determine the role of this variant in disease. Therefore, it has been classified as a Variant of Uncertain Significance.

NM_000083.3(CLCN1):c.497C>G (p.Thr166Ser)

Gene: CLCN1 (chloride voltage-gated channel 1; plus strand). Cytogenetic location: 7q34.
Variant type: single nucleotide variant.
Coding change: c.497C>G on transcript NM_000083.3 (MANE Select); coding-DNA position 497, C replaced by G.
Protein change: p.Thr166Ser; replaces threonine 166 with serine.
Molecular consequence: missense variant. On other transcripts: non-coding transcript variant (1).
Genome position (GRCh38, 1-based): chr7:143,321,428, C>G. VCF-style: chr7-143321428-C-G. GRCh37 (hg19) VCF-style: chr7-143018521-C-G.
Other names: short protein forms T166S.
Identifiers: ClinVar variation 1397806 (VCV001397806.6), dbSNP rs759966057, ClinGen allele CA4536969.
Genomic context (GRCh38, chr7:143,321,428, plus strand): 5'-ACAAGTGGTCCTACGCGCAGATGCAGCCCAGCCTTCCTCTGCAGTTCCTGGTCTGGGTCA[C>G]CTTCCCACTAGTCCTCATCCTCTTCAGCGCCCTCTTCTGCCACCTCATCTCTCCCCAGGC-3'
Protein context (NP_000074.3, residues 156-176): SLPLQFLVWV[Thr166Ser]FPLVLILFSA